The following is an entry in ClinVar:

NM_001003841.3(SLC6A19):c.976G>A (p.Gly326Arg)

Gene: SLC6A19 (solute carrier family 6 member 19; plus strand). Cytogenetic location: 5p15.33.
Variant type: single nucleotide variant.
Coding change: c.976G>A on transcript NM_001003841.3 (MANE Select); coding-DNA position 976, G replaced by A.
Protein change: p.Gly326Arg; replaces glycine 326 with arginine.
Molecular consequence: missense variant.
Genome position (GRCh38, 1-based): chr5:1,216,646, G>A. VCF-style: chr5-1216646-G-A. GRCh37 (hg19) VCF-style: chr5-1216761-G-A.
Other names: short protein forms G326R.
Identifiers: ClinVar variation 2000657 (VCV002000657.4), dbSNP rs2477950026, ClinGen allele CA359070836.

ClinVar aggregate classification (germline): Uncertain significance (1 of 4 stars; one submission).

Submission:

Labcorp Genetics (formerly Invitae), Labcorp
Classification: Uncertain significance. Last evaluated: 2024-05-15. Review status: criteria provided, single submitter. Criteria: Invitae Variant Classification Sherloc (09022015). Collection method: clinical testing. Allele origin: germline.
Comment: This sequence change replaces glycine, which is neutral and non-polar, with arginine, which is basic and polar, at codon 326 of the SLC6A19 protein (p.Gly326Arg). This variant is not present in population databases (gnomAD no frequency). This variant has not been reported in the literature in individuals affected with SLC6A19-related conditions. ClinVar contains an entry for this variant (Variation ID: 2000657). Advanced modeling of protein sequence and biophysical properties (such as structural, functional, and spatial information, amino acid conservation, physicochemical variation, residue mobility, and thermodynamic stability) performed at Invitae indicates that this missense variant is expected to disrupt SLC6A19 protein function with a positive predictive value of 80%. In summary, the available evidence is currently insufficient to determine the role of this variant in disease. Therefore, it has been classified as a Variant of Uncertain Significance.